The following is an entry in ClinVar:

NM_000551.4(VHL):c.340+833A>G

Genes: VHL (von Hippel-Lindau tumor suppressor; plus strand), LOC107303340 (3p25 von Hippel-Lindau tumor suppressor, E3 ubiquitin protein ligase Alu-mediated recombination region; plus strand). Cytogenetic location: 3p25.3.
Variant type: single nucleotide variant.
Coding change: c.340+833A>G on transcript NM_000551.4 (MANE Select); 833 bases into the intron after coding-DNA position 340, A replaced by G.
Molecular consequence: intron variant. On other transcripts: 3 prime UTR variant (1), non-coding transcript variant (1).
Genome position (GRCh38, 1-based): chr3:10,143,020, A>G. VCF-style: chr3-10143020-A-G. GRCh37 (hg19) VCF-style: chr3-10184704-A-G.
Other names: c.*16A>G (NM_001354723.2); c.340+833A>G (NM_198156.3).
Identifiers: ClinVar variation 2943276 (VCV002943276.3), dbSNP rs2125126148, ClinGen allele CA2664402389.

ClinVar aggregate classification (germline): Uncertain significance (1 of 4 stars; one submission).

Conditions:
Chuvash polycythemia. Also called: POLYCYTHEMIA, VHL-DEPENDENT. Identifiers: Orphanet 238557, MedGen C1837915, MONDO:0009892, OMIM 263400.
Von Hippel-Lindau syndrome (VHLS). Also called: von Hippel–Lindau syndrome; VHL syndrome; Von Hippel-Lindau. Identifiers: Orphanet 892, MedGen C0019562, MONDO:0008667, OMIM 193300. Disease mechanism: loss of function.

Submission:

Labcorp Genetics (formerly Invitae), Labcorp
Classification: Uncertain significance for Von Hippel-Lindau syndrome; Chuvash polycythemia. Last evaluated: 2023-06-02. Review status: criteria provided, single submitter. Criteria: Invitae Variant Classification Sherloc (09022015). Collection method: clinical testing. Allele origin: germline.
Comment: RNA analysis provides insufficient evidence to determine the effect of this variant on VHL splicing (Invitae). In summary, the available evidence is currently insufficient to determine the role of this variant in disease. Therefore, it has been classified as a Variant of Uncertain Significance. This variant has not been reported in the literature in individuals affected with VHL-related conditions. This variant is not present in population databases (gnomAD no frequency). This sequence change falls in intron 1 of the VHL gene. It is not expected to change the encoded amino acid sequence of the VHL protein. However, this sequence change falls within a cryptic exon in the VHL gene, known as exon E1’, which is naturally expressed at low levels in several human tissues (PMID: 29891534).

Literature cited by the submitters: PubMed 29891534.